The following is an entry in ClinVar:

NM_001042492.3(NF1):c.4725G>T (p.Arg1575Ser)

Gene: NF1 (neurofibromin 1; plus strand). Cytogenetic location: 17q11.2.
Variant type: single nucleotide variant.
Coding change: c.4725G>T on transcript NM_001042492.3 (MANE Select); coding-DNA position 4725, G replaced by T.
Protein change: p.Arg1575Ser; replaces arginine 1575 with serine.
Molecular consequence: missense variant.
Genome position (GRCh38, 1-based): chr17:31,265,229, G>T. VCF-style: chr17-31265229-G-T. GRCh37 (hg19) VCF-style: chr17-29592247-G-T.
Other names: c.4662G>T, p.Arg1554Ser (NM_000267.4); short protein forms R1575S, R1554S.
Identifiers: ClinVar variation 2711853 (VCV002711853.3), dbSNP rs147755637, ClinGen allele CA399001142.

ClinVar aggregate classification (germline): Uncertain significance (1 of 4 stars; one submission).

Conditions:
Neurofibromatosis, type 1 (NF1). Also called: Peripheral type neurofibromatosis; VON RECKLINGHAUSEN DISEASE; NEUROFIBROMATOSIS, TYPE I, SOMATIC; Neurofibromatosis, type I. Identifiers: Orphanet 636, MedGen C0027831, MONDO:0018975, OMIM 162200. Disease mechanism: loss of function.

Allele frequency attached by ClinVar (database versions not stated): gnomAD exomes below 0.00001.
gnomAD v4.1: 1 of 1,604,748 alleles (0.000062%); highest among the groups gnomAD compares: Non-Finnish European, 0.000085%; no homozygotes.

Submission:

Labcorp Genetics (formerly Invitae), Labcorp
Classification: Uncertain significance for Neurofibromatosis, type 1. Last evaluated: 2024-12-02. Review status: criteria provided, single submitter. Criteria: Invitae Variant Classification Sherloc (09022015). Collection method: clinical testing. Allele origin: germline.
Comment: This sequence change replaces arginine, which is basic and polar, with serine, which is neutral and polar, at codon 1554 of the NF1 protein (p.Arg1554Ser). This variant is not present in population databases (gnomAD no frequency). This variant has not been reported in the literature in individuals affected with NF1-related conditions. ClinVar contains an entry for this variant (Variation ID: 2711853). An algorithm developed to predict the effect of missense changes on protein structure and function (PolyPhen-2) suggests that this variant is likely to be disruptive. In summary, the available evidence is currently insufficient to determine the role of this variant in disease. Therefore, it has been classified as a Variant of Uncertain Significance.